The following is an entry in ClinVar:

NM_001377458.1(CLCC1):c.797-8C>T

Gene: CLCC1 (chloride channel CLIC like 1; minus strand). Cytogenetic location: 1p13.3.
Variant type: single nucleotide variant.
Coding change: c.797-8C>T on transcript NM_001377458.1 (MANE Select); 8 bases into the intron before coding-DNA position 797, C replaced by T.
Molecular consequence: intron variant.
Genome position (GRCh38, 1-based): chr1:108,940,150, G>A on the plus strand (C>T on the coding strand, the complement: CLCC1 is on the minus strand). VCF-style: chr1-108940150-G-A. GRCh37 (hg19) VCF-style: chr1-109482772-G-A.
Other names: c.797-8C>T (NM_001377464.1, NM_001377462.1, NM_001377467.1 and 9 more transcripts); c.695-8C>T (NM_001377469.1); c.647-8C>T (NM_015127.5); c.506-8C>T (NM_001377470.1); c.434-8C>T (NM_001278202.2); c.340-368C>T (NM_001278203.1).
Identifiers: ClinVar variation 1089759 (VCV001089759.28), dbSNP rs369689028, ClinGen allele CA983501.

ClinVar aggregate classification (germline): Likely benign. Review status: criteria provided, multiple submitters, no conflicts (2 of 4 stars). 3 submissions from 3 submitters: Likely benign (3). Last evaluated 2026-06-24.

Conditions:
CLCC1-related condition.

Allele frequency attached by ClinVar (database versions not stated): TOPMed 0.00032; gnomAD 0.00034 and 0.00036; ExAC 0.00035; gnomAD exomes 0.00039; ESP Exome Variant Server 0.00054.
gnomAD v4.1: 1,791 of 1,530,522 alleles (0.12%); highest among the groups gnomAD compares: Non-Finnish European, 0.15%; no homozygotes.

Submissions (3):

PreventionGenetics, part of Exact Sciences
Classification: Likely benign for CLCC1-related condition. Last evaluated: 2026-06-24. Review status: criteria provided, single submitter. Criteria: ACMG Guidelines, 2015. Collection method: clinical testing. Allele origin: germline.
Comment: This variant is classified as likely benign based on ACMG/AMP sequence variant interpretation guidelines (Richards et al. 2015 PMID: 25741868, with internal and published modifications).

Labcorp Genetics (formerly Invitae), Labcorp
Classification: Likely benign. Last evaluated: 2026-01-07. Review status: criteria provided, single submitter. Criteria: Invitae Variant Classification Sherloc (09022015). Collection method: clinical testing. Allele origin: germline.

CeGaT Center for Human Genetics Tuebingen
Classification: Likely benign. Last evaluated: 2024-06-01. Review status: criteria provided, single submitter. Criteria: CeGaT Center For Human Genetics Tuebingen Variant Classification Criteria Version 2. Collection method: clinical testing. Allele origin: germline. Affected: yes. Observed: 1 variant allele.
Comment: CLCC1: BP4